The following is an entry in ClinVar:

NM_001375524.1(TRRAP):c.7843G>A (p.Gly2615Arg)

Gene: TRRAP (transformation/transcription domain associated protein; plus strand). Cytogenetic location: 7q22.1.
Variant type: single nucleotide variant.
Coding change: c.7843G>A on transcript NM_001375524.1 (MANE Select); coding-DNA position 7843, G replaced by A.
Protein change: p.Gly2615Arg; replaces glycine 2615 with arginine.
Molecular consequence: missense variant.
Genome position (GRCh38, 1-based): chr7:98,976,152, G>A. VCF-style: chr7-98976152-G-A. GRCh37 (hg19) VCF-style: chr7-98573775-G-A.
Other names: c.7822G>A, p.Gly2608Arg (NM_001244580.2); c.7768G>A, p.Gly2590Arg (NM_003496.4); short protein forms G2590R, G2615R, G2608R.
Identifiers: ClinVar variation 3688074 (VCV003688074.2).

ClinVar aggregate classification (germline): Uncertain significance (1 of 4 stars; one submission).

Submission:

Labcorp Genetics (formerly Invitae), Labcorp
Classification: Uncertain significance. Last evaluated: 2024-08-11. Review status: criteria provided, single submitter. Criteria: Invitae Variant Classification Sherloc (09022015). Collection method: clinical testing. Allele origin: germline.
Comment: This sequence change replaces glycine, which is neutral and non-polar, with arginine, which is basic and polar, at codon 2590 of the TRRAP protein (p.Gly2590Arg). This variant is not present in population databases (gnomAD no frequency). This variant has not been reported in the literature in individuals affected with TRRAP-related conditions. Advanced modeling of protein sequence and biophysical properties (such as structural, functional, and spatial information, amino acid conservation, physicochemical variation, residue mobility, and thermodynamic stability) performed at Invitae indicates that this missense variant is not expected to disrupt TRRAP protein function with a negative predictive value of 80%. In summary, the available evidence is currently insufficient to determine the role of this variant in disease. Therefore, it has been classified as a Variant of Uncertain Significance.